The following is an entry in ClinVar:

NM_144997.7(FLCN):c.721C>G (p.Leu241Val)

Gene: FLCN (folliculin; minus strand). Cytogenetic location: 17p11.2.
Variant type: single nucleotide variant.
Coding change: c.721C>G on transcript NM_144997.7 (MANE Select); coding-DNA position 721, C replaced by G.
Protein change: p.Leu241Val; replaces leucine 241 with valine.
Molecular consequence: missense variant.
Genome position (GRCh38, 1-based): chr17:17,222,559, G>C on the plus strand (C>G on the coding strand, the complement: FLCN is on the minus strand). VCF-style: chr17-17222559-G-C. GRCh37 (hg19) VCF-style: chr17-17125873-G-C.
Other names: c.775C>G, p.Leu259Val (NM_001353229.2); c.721C>G, p.Leu241Val (NM_001353230.2, NM_001353231.2, NM_144606.7); short protein forms L241V, L259V.
Identifiers: ClinVar variation 826914 (VCV000826914.12), dbSNP rs1337020636, ClinGen allele CA398533932.

ClinVar aggregate classification (germline): Uncertain significance. Review status: criteria provided, multiple submitters, no conflicts (2 of 4 stars). 3 submissions from 3 submitters: Uncertain significance (2). 1 of the submissions does not count toward it. Last evaluated 2025-12-15.

Conditions:
Hereditary cancer-predisposing syndrome. Also called: Neoplastic Syndromes, Hereditary; Hereditary Cancer Syndrome; Hereditary neoplastic syndrome; Tumor predisposition. Identifiers: Orphanet 140162, MedGen C0027672, MeSH D009386, MONDO:0015356.
Birt-Hogg-Dube syndrome. Also called: Birt Hogg Dubé syndrome. Identifiers: Orphanet 122, MedGen C0346010, MONDO:0800444.
FLCN-related disorder. Also called: FLCN-related condition.

Allele frequency attached by ClinVar (database versions not stated): gnomAD 0.00001; TOPMed 0.00002.
gnomAD v4.1: 4 of 1,614,142 alleles (0.00025%); highest among the groups gnomAD compares: African/African-American, 0.0027%; no homozygotes.

Submissions (3):

Labcorp Genetics (formerly Invitae), Labcorp
Classification: Uncertain significance for Birt-Hogg-Dube syndrome. Last evaluated: 2025-12-15. Review status: criteria provided, single submitter. Criteria: Invitae Variant Classification Sherloc (09022015). Collection method: clinical testing. Allele origin: germline.
Comment: This sequence change replaces leucine, which is neutral and non-polar, with valine, which is neutral and non-polar, at codon 241 of the FLCN protein (p.Leu241Val). This variant is not present in population databases (gnomAD no frequency). This variant has not been reported in the literature in individuals affected with FLCN-related conditions. ClinVar contains an entry for this variant (Variation ID: 826914). Invitae Evidence Modeling of protein sequence and biophysical properties (such as structural, functional, and spatial information, amino acid conservation, physicochemical variation, residue mobility, and thermodynamic stability) indicates that this missense variant is not expected to disrupt FLCN protein function with a negative predictive value of 80%. In summary, the available evidence is currently insufficient to determine the role of this variant in disease. Therefore, it has been classified as a Variant of Uncertain Significance.

Ambry Genetics
Classification: Uncertain significance for Hereditary cancer-predisposing syndrome. Last evaluated: 2024-06-11. Review status: criteria provided, single submitter. Criteria: Ambry Variant Classification Scheme 2023. Collection method: clinical testing. Allele origin: germline.
Comment: The p.L241V variant (also known as c.721C>G), located in coding exon 4 of the FLCN gene, results from a C to G substitution at nucleotide position 721. The leucine at codon 241 is replaced by valine, an amino acid with highly similar properties. This amino acid position is highly conserved in available vertebrate species. In addition, this alteration is predicted to be deleterious by in silico analysis. Based on the available evidence, the clinical significance of this variant remains unclear.

PreventionGenetics, part of Exact Sciences
Classification: Uncertain significance for FLCN-related condition. Last evaluated: 2023-12-15. Review status: no assertion criteria provided. Collection method: clinical testing. Allele origin: germline. Not counted in ClinVar's aggregate classification.
Comment: The FLCN c.721C>G variant is predicted to result in the amino acid substitution p.Leu241Val. To our knowledge, this variant has not been reported in the literature or in a large population database, indicating this variant is rare. At this time, the clinical significance of this variant is uncertain due to the absence of conclusive functional and genetic evidence.